The following is an entry in ClinVar:

NM_000218.3(KCNQ1):c.321G>C (p.Gln107His)

Gene: KCNQ1 (potassium voltage-gated channel subfamily Q member 1; plus strand). Cytogenetic location: 11p15.5.
Variant type: single nucleotide variant.
Coding change: c.321G>C on transcript NM_000218.3 (MANE Select); coding-DNA position 321, G replaced by C.
Protein change: p.Gln107His; replaces glutamine 107 with histidine.
Molecular consequence: missense variant. On other transcripts: 5 prime UTR variant (1).
Genome position (GRCh38, 1-based): chr11:2,445,419, G>C. VCF-style: chr11-2445419-G-C. GRCh37 (hg19) VCF-style: chr11-2466649-G-C.
Other names: c.321G>C, p.Gln107His (NM_001406836.1, NM_001406838.1); c.-42G>C (NM_001406837.1); short protein forms Q107H.
Identifiers: ClinVar variation 3376650 (VCV003376650.1).

ClinVar aggregate classification (germline): Likely pathogenic (1 of 4 stars; one submission).

Conditions:
Long QT syndrome 1 (LQT1). Identifiers: Orphanet 101016, Orphanet 768, MedGen C4551647, MONDO:0100316, OMIM 192500, MONDO:0008646.

Submission:

Victorian Clinical Genetics Services, Murdoch Childrens Research Institute
Classification: Likely pathogenic for Long QT syndrome 1. Last evaluated: 2022-02-02. Review status: criteria provided, single submitter. Criteria: ACMG Guidelines, 2015. Collection method: clinical testing. Allele origin: germline. Inheritance: Autosomal dominant inheritance.
Comment: Based on the classification scheme VCGS_Germline_v1.3.4, this variant is classified as Likely pathogenic. Following criteria are met: 0103 - Dominant negative, loss of function and gain of function are known mechanisms of disease in this gene. Gain of function variants result exclusively in short QT syndrome (MIM#609621), while dominant negative and loss of function variants can cause long QT syndrome (LQTS, MIM#192500), atrial fibrillation (MIM#607554) and Jervell and Lange-Nielsen syndrome (JLNS, MIM#220400) (OMIM, PMIDs: 19632626, 28438721). (I) 0108 - This gene is known to be associated with both recessive and dominant disease. JLNS is characterized by congenital, bilateral deafness and variable degrees of QT prolongation, and is the only condition caused by biallelic variants (PMID: 28438721). (I) 0112 - The condition associated with this gene has incomplete penetrance (OMIM, GeneReviews). (I) 0200 - Variant is predicted to result in a missense amino acid change from glutamine to histidine. (I) 0251 - This variant is heterozygous. (I) 0301 - Variant is absent from gnomAD (both v2 and v3). (SP) 0501 - Missense variant consistently predicted to be damaging by multiple in silico tools and highly conserved with a minor amino acid change. (SP) 0603 - Missense variant in a region that is highly intolerant to missense variation (high constraint region in DECIPHER). (SP) 0705 - No comparable missense variants have previous evidence for pathogenicity. (I) 0808 - Previous reports of pathogenicity for this variant are conflicting. This variant has been classified as likely pathogenic by a clinical diagnostic laboratory. However, it has also been classified as a VUS in one case-control study where this variant was identified in one individual with LQTS (ClinVar, PMID: 32893267). (I) 0905 - No published segregation evidence has been identified for this variant. (I) 1002 - This variant has moderate functional evidence supporting abnormal protein function. Mutant constructs transfected into HEK293T cells had low surface expression and trafficking efficiency and when co-expressed with the WT construct, demonstrated dominant-negative effects (PMID: 29532034). (SP) Legend: (SP) - Supporting pathogenic, (I) - Information, (SB) - Supporting benign

Literature cited by the submitters: PubMed 19632626; PubMed 28438721; PubMed 29532034; PubMed 32893267.